The following is an entry in ClinVar:

ClinVar aggregate classification (germline): Likely pathogenic (1 of 4 stars; one submission).

Conditions:
Neurodegeneration, childhood-onset, stress-induced, with variable ataxia and seizures. Identifiers: Orphanet 694922, MedGen C4748527, MONDO:0100095, OMIM 618170.

Allele frequency attached by ClinVar (database versions not stated): gnomAD exomes below 0.00001.
gnomAD v4.1: 4 of 1,457,198 alleles (0.00027%); highest among the groups gnomAD compares: South Asian, 0.0029%; no homozygotes.

Submission:

Diagnostics Services (NGS), CSIR - Centre For Cellular And Molecular Biology
Classification: Likely pathogenic for Neurodegeneration, childhood-onset, stress-induced, with variable ataxia and seizures. Last evaluated: 2023-10-06. Review status: criteria provided, single submitter. Criteria: ACMG Guidelines, 2015. Collection method: clinical testing. Allele origin: germline. Affected: yes. Observed: 1 variant allele, 1 homozygote.
Comment: The c.166C>T variant is not present in publicly available population databases like 1000 Genomes, EVS, ExAC, gnomAD, Indian Exome Database or our in-house exome database. This variant has neither been reported in the literature in individuals with ADPRS-related conditions nor reported to the clinical databases like ClinVar, Human Genome Mutation Database (HGMD) or OMIM in any affected individuals. In-silico pathogenicity programs like MutationTaster2, CADD, Varsome, Franklin etc predicted this variant to be likely deleterious however these predictions were not confirmed by published functional studies. This variant creates a premature translational stop signal at the 56th amino acid position of the transcript that may either result in translation of a truncated protein or cause nonsense mediated decay of the mRNA.

NM_017825.3(ADPRS):c.166C>T (p.Gln56Ter)

Gene: ADPRS (ADP-ribosylserine hydrolase; plus strand). Cytogenetic location: 1p34.3.
Variant type: single nucleotide variant.
Coding change: c.166C>T on transcript NM_017825.3 (MANE Select); coding-DNA position 166, C replaced by T.
Protein change: p.Gln56Ter; replaces glutamine 56 with a stop codon.
Molecular consequence: nonsense.
Genome position (GRCh38, 1-based): chr1:36,089,070, C>T. VCF-style: chr1-36089070-C-T. GRCh37 (hg19) VCF-style: chr1-36554671-C-T.
Other names: short protein forms Q56*.
Identifiers: ClinVar variation 2583170 (VCV002583170.1), dbSNP rs2524677445, ClinGen allele CA339388531.